The following is an entry in ClinVar:

NM_005655.4(KLF10):c.718A>T (p.Ile240Phe)

Gene: KLF10 (KLF transcription factor 10; minus strand). Cytogenetic location: 8q22.3.
Variant type: single nucleotide variant.
Coding change: c.718A>T on transcript NM_005655.4 (MANE Select); coding-DNA position 718, A replaced by T.
Protein change: p.Ile240Phe; replaces isoleucine 240 with phenylalanine.
Molecular consequence: missense variant.
Genome position (GRCh38, 1-based): chr8:102,651,614, T>A on the plus strand (A>T on the coding strand, the complement: KLF10 is on the minus strand). VCF-style: chr8-102651614-T-A. GRCh37 (hg19) VCF-style: chr8-103663842-T-A.
Other names: c.685A>T, p.Ile229Phe (NM_001032282.4); short protein forms I229F, I240F.
Identifiers: ClinVar variation 1466626 (VCV001466626.6), dbSNP rs2131079580, ClinGen allele CA371627477.

ClinVar aggregate classification (germline): Uncertain significance (1 of 4 stars; one submission).

Allele frequency attached by ClinVar (database versions not stated): gnomAD exomes below 0.00001.
gnomAD v4.1: 1 of 1,614,248 alleles (0.000062%); highest among the groups gnomAD compares: Non-Finnish European, 0.000085%; no homozygotes.

Submission:

Labcorp Genetics (formerly Invitae), Labcorp
Classification: Uncertain significance. Last evaluated: 2021-10-23. Review status: criteria provided, single submitter. Criteria: Invitae Variant Classification Sherloc (09022015). Collection method: clinical testing. Allele origin: germline.
Comment: In summary, the available evidence is currently insufficient to determine the role of this variant in disease. Therefore, it has been classified as a Variant of Uncertain Significance. Algorithms developed to predict the effect of missense changes on protein structure and function are either unavailable or do not agree on the potential impact of this missense change (SIFT: "Deleterious"; PolyPhen-2: "Benign"; Align-GVGD: "Class C0"). This variant has not been reported in the literature in individuals affected with KLF10-related conditions. This variant is not present in population databases (ExAC no frequency). This sequence change replaces isoleucine with phenylalanine at codon 240 of the KLF10 protein (p.Ile240Phe). The isoleucine residue is highly conserved and there is a small physicochemical difference between isoleucine and phenylalanine.